The following is an entry in ClinVar:

NM_018341.3(ERMARD):c.1369_1373dup (p.Leu459fs)

Gene: ERMARD (ER membrane associated RNA degradation; plus strand). Cytogenetic location: 6q27.
Variant type: Duplication.
Coding change: c.1369_1373dup on transcript NM_018341.3 (MANE Select); coding-DNA positions 1369 to 1373, 5 bases duplicated (GAAGA; older notation c.1369_1373dupGAAGA).
Protein change: p.Leu459fs; shifts the reading frame from leucine 459.
Molecular consequence: frameshift variant.
Genome position (GRCh38, 1-based): chr6:169,775,321-169,775,325, GAAGA duplicated. VCF-style (leftmost placement, unchanged base first): chr6-169775320-C-CGAAGA. GRCh37 (hg19) VCF-style: chr6-170175416-C-CGAAGA.
Other names: c.1369_1373dup, p.Leu459fs (NM_001278531.2, NM_001278533.2); c.991_995dup, p.Leu333fs (NM_001278532.2); c.961_965dup, p.Leu323Lysfs (NM_001410957.1); c.1369_1373dup5 (NM_018341.2); short protein forms L333fs, L459fs.
Identifiers: ClinVar variation 2041478 (VCV002041478.29), dbSNP rs555583101, ClinGen allele CA4106232.

ClinVar aggregate classification (germline): Conflicting classifications of pathogenicity. Review status: criteria provided, conflicting classifications (1 of 4 stars). 3 submissions from 3 submitters: Uncertain significance (1); Likely benign (1). 1 of the submissions does not count toward it. Last evaluated 2026-02-02.

Conditions:
ERMARD-related disorder. Also called: ERMARD-related condition.

Allele frequency attached by ClinVar (database versions not stated): ExAC 0.00078; gnomAD 0.00084; ESP Exome Variant Server 0.00088; 1000 Genomes Project 30x 0.00094; 1000 Genomes Project 0.00100; TOPMed 0.00100; gnomAD exomes 0.00120.

Submissions (3):

Labcorp Genetics (formerly Invitae), Labcorp
Classification: Uncertain significance. Last evaluated: 2026-02-02. Review status: criteria provided, single submitter. Criteria: Invitae Variant Classification Sherloc (09022015). Collection method: clinical testing. Allele origin: germline.
Comment: This sequence change creates a premature translational stop signal (p.Leu459Lysfs*10) in the ERMARD gene. It is expected to result in an absent or disrupted protein product. However, the current clinical and genetic evidence is not sufficient to establish whether loss-of-function variants in ERMARD cause disease. This variant is present in population databases (rs555583101, gnomAD 0.1%), and has an allele count higher than expected for a pathogenic variant. This variant has not been reported in the literature in individuals affected with ERMARD-related conditions. ClinVar contains an entry for this variant (Variation ID: 2041478). In summary, the available evidence is currently insufficient to determine the role of this variant in disease. Therefore, it has been classified as a Variant of Uncertain Significance.

CeGaT Center for Human Genetics Tuebingen
Classification: Likely benign. Last evaluated: 2023-12-01. Review status: criteria provided, single submitter. Criteria: CeGaT Center For Human Genetics Tuebingen Variant Classification Criteria Version 2. Collection method: clinical testing. Allele origin: germline. Affected: yes. Observed: 3 variant alleles.
Comment: ERMARD: PM4:Supporting, BS2

PreventionGenetics, part of Exact Sciences
Classification: Likely benign for ERMARD-related condition. Last evaluated: 2023-06-07. Review status: no assertion criteria provided. Collection method: clinical testing. Allele origin: germline. Not counted in ClinVar's aggregate classification.
Comment: This variant is classified as likely benign based on ACMG/AMP sequence variant interpretation guidelines (Richards et al. 2015 PMID: 25741868, with internal and published modifications).